The following is an entry in ClinVar:

NM_000245.4(MET):c.230A>C (p.Asp77Ala)

Gene: MET (MET proto-oncogene, receptor tyrosine kinase; plus strand). Cytogenetic location: 7q31.2.
Variant type: single nucleotide variant.
Coding change: c.230A>C on transcript NM_000245.4 (MANE Select); coding-DNA position 230, A replaced by C.
Protein change: p.Asp77Ala; replaces aspartic acid 77 with alanine.
Molecular consequence: missense variant. On other transcripts: intron variant (1).
Genome position (GRCh38, 1-based): chr7:116,699,314, A>C. VCF-style: chr7-116699314-A-C. GRCh37 (hg19) VCF-style: chr7-116339368-A-C.
Other names: c.230A>C, p.Asp77Ala (NM_001127500.3, NM_001324401.3); c.-91+26737A>C (NM_001324402.2); short protein forms D77A.
Identifiers: ClinVar variation 947148 (VCV000947148.14), dbSNP rs761221409, ClinGen allele CA4447963.

ClinVar aggregate classification (germline): Conflicting classifications of pathogenicity. Review status: criteria provided, conflicting classifications (1 of 4 stars). 3 submissions from 3 submitters: Uncertain significance (2); Likely benign (1). Last evaluated 2025-11-05.

Conditions:
Hereditary cancer-predisposing syndrome. Also called: Hereditary neoplastic syndrome; Neoplastic Syndromes, Hereditary; Tumor predisposition; Hereditary Cancer Syndrome. Identifiers: Orphanet 140162, MedGen C0027672, MeSH D009386, MONDO:0015356.
Autosomal recessive nonsyndromic hearing loss 97. Also called: Deafness, autosomal recessive 97. Identifiers: Orphanet 90636, MedGen C4084709, MONDO:0014739, OMIM 616705.
Renal cell carcinoma. Identifiers: Orphanet 217071, MedGen C0007134, MeSH D002292, MONDO:0005086, HP:0005584.

Allele frequency attached by ClinVar (database versions not stated): ExAC 0.00001; gnomAD exomes 0.00001.
gnomAD v4.1: 3 of 1,614,030 alleles (0.00019%); highest among the groups gnomAD compares: Non-Finnish European, 0.00025%; no homozygotes.

Submissions (3):

Labcorp Genetics (formerly Invitae), Labcorp
Classification: Uncertain significance for Renal cell carcinoma. Last evaluated: 2025-11-05. Review status: criteria provided, single submitter. Criteria: Invitae Variant Classification Sherloc (09022015). Collection method: clinical testing. Allele origin: germline.
Comment: This sequence change replaces aspartic acid, which is acidic and polar, with alanine, which is neutral and non-polar, at codon 77 of the MET protein (p.Asp77Ala). This variant is present in population databases (rs761221409, gnomAD 0.002%). This variant has not been reported in the literature in individuals affected with MET-related conditions. ClinVar contains an entry for this variant (Variation ID: 947148). Invitae Evidence Modeling of protein sequence and biophysical properties (such as structural, functional, and spatial information, amino acid conservation, physicochemical variation, residue mobility, and thermodynamic stability) indicates that this missense variant is not expected to disrupt MET protein function with a negative predictive value of 80%. In summary, the available evidence is currently insufficient to determine the role of this variant in disease. Therefore, it has been classified as a Variant of Uncertain Significance.

Ambry Genetics
Classification: Likely benign for Hereditary cancer-predisposing syndrome. Last evaluated: 2025-02-13. Review status: criteria provided, single submitter. Criteria: Ambry Variant Classification Scheme 2023. Collection method: clinical testing. Allele origin: germline.

Baylor Genetics
Classification: Uncertain significance for Autosomal recessive nonsyndromic hearing loss 97. Last evaluated: 2023-06-07. Review status: criteria provided, single submitter. Criteria: ACMG Guidelines, 2015. Collection method: clinical testing. Allele origin: unknown.